The following is an entry in ClinVar:

NM_001114753.3(ENG):c.408del (p.Glu137fs)

Gene: ENG (endoglin; minus strand). Cytogenetic location: 9q34.11.
Variant type: Deletion.
Coding change: c.408del on transcript NM_001114753.3 (MANE Select); coding-DNA position 408, one base deleted (A; older notation c.408delA).
Protein change: p.Glu137fs; shifts the reading frame from glutamic acid 137.
Molecular consequence: frameshift variant. On other transcripts: 5 prime UTR variant (1).
Genome position (GRCh38, 1-based): chr9:127,826,625, T deleted on the plus strand (A on the coding strand, the reverse complement: ENG is on the minus strand). VCF-style (leftmost placement, unchanged base first): chr9-127826624-CT-C. GRCh37 (hg19) VCF-style: chr9-130588903-CT-C.
Other names: c.408delA, p.Glu137Serfs (NM_000118.4, NM_001406715.1); c.-139del (NM_001278138.2); c.408delA (NM_000118.3); short protein forms E137fs.
Identifiers: ClinVar variation 518421 (VCV000518421.3), dbSNP rs1554810506, ClinGen allele CA658797296.

ClinVar aggregate classification (germline): Likely pathogenic (1 of 4 stars; one submission).

Conditions:
Telangiectasia, hereditary hemorrhagic, type 1 (HHT1). Also called: Osler Weber Rendu syndrome type 1; ENG-Related Hereditary Hemorrhagic Telangiectasia. Identifiers: Orphanet 774, MedGen C4551861, MONDO:0008535, OMIM 187300. Disease mechanism: loss of function.

Submission:

Centro de Genética y Biología Molecular, Universidad de San Martín de Porres
Classification: Likely pathogenic for Telangiectasia, hereditary hemorrhagic, type 1. Last evaluated: 2018-01-15. Review status: criteria provided, single submitter. Criteria: Family study. Collection method: case-control. Allele origin: germline. Inheritance: Autosomal dominant inheritance. Affected: yes. Observed: 1 variant allele, 1 heterozygote.
Comment: Present in all affected individuals and absent in unaffected individuals from a single family.